The following is an entry in ClinVar:

NM_003722.5(TP63):c.1861del (p.Ser621fs)

Gene: TP63 (tumor protein p63; plus strand). Cytogenetic location: 3q28.
Variant type: Deletion.
Coding change: c.1861del on transcript NM_003722.5 (MANE Select); coding-DNA position 1861, one base deleted (A; older notation c.1861delA).
Protein change: p.Ser621fs; shifts the reading frame from serine 621.
Molecular consequence: frameshift variant. On other transcripts: 3 prime UTR variant (6).
Genome position (GRCh38, 1-based): chr3:189,894,320, A deleted; the last of 2 consecutive A bases (chr3:189,894,319-189,894,320); deleting either gives the same sequence. VCF-style (leftmost placement, unchanged base first): chr3-189894318-CA-C. GRCh37 (hg19) VCF-style: chr3-189612107-CA-C.
Other names: AF075430.1:c.1743_1744del; c.1860_1861del (NM_003722.5); c.*99del (NM_001114978.2, NM_001114981.2); c.1579del, p.Ser527fs (NM_001114980.2); c.*89del (NM_001329144.2, NM_001329145.2, NM_001329149.2 and 1 more transcripts); c.1324del, p.Ser442fs (NM_001329146.2); c.1849del, p.Ser617fs (NM_001329148.2); c.1855del, p.Ser619fs (NM_001329964.2); short protein forms S442fs, S527fs, S617fs, S619fs, S621fs.
Identifiers: ClinVar variation 1024583 (VCV001024583.6), dbSNP rs1721306735, ClinGen allele CA1428535241.
Genomic context (GRCh38, chr3:189,894,318, plus strand): 5'-GCATCCTGGACCACCGGCAGCTCCACGAATTCTCCTCCCCTTCTCATCTCCTGCGGACCC[CA>C]AGCAGTGCCTCTACAGTCAGTGTGGGCTCCAGTGAGACCCGGGGTGAGCGTGTTATTGAT-3'

ClinVar aggregate classification (germline): Pathogenic. Review status: criteria provided, single submitter (1 of 4 stars). 2 submissions from 2 submitters: Pathogenic (1). 1 of the submissions does not count toward it. Last evaluated 2020-12-03.

Conditions:
TP63-Related Spectrum Disorders.
Limb-mammary syndrome (LMS). Also called: Mammary hypoplasia, ectrodactyly, and other hand/foot anomalies. Identifiers: Orphanet 69085, MedGen C1863753, MONDO:0011334, OMIM 603543.

Submissions (2):

Labcorp Genetics (formerly Invitae), Labcorp
Classification: Pathogenic. Last evaluated: 2020-12-03. Review status: criteria provided, single submitter. Criteria: Invitae Variant Classification Sherloc (09022015). Collection method: clinical testing. Allele origin: germline.
Comment: For these reasons, this variant has been classified as Pathogenic. This variant has been observed in individual(s) with clinical features of TP63-related conditions (Invitae). In at least one individual the variant was observed to be de novo. This variant is not present in population databases (ExAC no frequency). This sequence change results in a frameshift in the TP63 gene (p.Ser621Alafs*83). While this is not anticipated to result in nonsense mediated decay, it is expected to disrupt the last 60 amino acid(s) of the TP63 protein and extend the protein by 22 additional amino acid residues.

OMIM
Classification: Pathogenic for LIMB-MAMMARY SYNDROME. Last evaluated: 2001-09-01. Review status: no assertion criteria provided. Collection method: literature only. Allele origin: germline. Not counted in ClinVar's aggregate classification.

Literature cited by the submitters: PubMed 11462173 (cited by OMIM); PubMed 9774969 (cited by OMIM).